The following is an entry in ClinVar:

NM_000088.4(COL1A1):c.3099+1G>A

Gene: COL1A1 (collagen type I alpha 1 chain; minus strand). Cytogenetic location: 17q21.33.
Variant type: single nucleotide variant.
Coding change: c.3099+1G>A on transcript NM_000088.4 (MANE Select); the canonical splice donor site of the intron after coding-DNA position 3099, G replaced by A.
Molecular consequence: splice donor variant.
Genome position (GRCh38, 1-based): chr17:50,188,741, C>T on the plus strand (G>A on the coding strand, the complement: COL1A1 is on the minus strand). VCF-style: chr17-50188741-C-T. GRCh37 (hg19) VCF-style: chr17-48266102-C-T.
Identifiers: ClinVar variation 503737 (VCV000503737.13), dbSNP rs1555572316, ClinGen allele CA400202958.

ClinVar aggregate classification (germline): Pathogenic/Likely pathogenic. Review status: criteria provided, multiple submitters, no conflicts (2 of 4 stars). 3 submissions from 3 submitters: Pathogenic (2); Likely pathogenic (1). Last evaluated 2024-07-03.

Conditions:
Osteogenesis imperfecta (OI). Identifiers: Orphanet 666, MedGen C0029434, MeSH D010013, MONDO:0019019.
Osteogenesis imperfecta type I (OI1). Also called: Classic Non-deforming Osteogenesis Imperfecta with Blue Sclerae; Osteogenesis imperfecta type 1; Lobstein disease; OI, TYPE I; OSTEOGENESIS IMPERFECTA TARDA; OSTEOGENESIS IMPERFECTA WITH BLUE SCLERAE. Identifiers: Orphanet 216796, Orphanet 666, MedGen C0023931, MONDO:0008146, OMIM 166200. Disease mechanism: loss of function.

Submissions (3):

Labcorp Genetics (formerly Invitae), Labcorp
Classification: Pathogenic for Osteogenesis imperfecta type I. Last evaluated: 2024-07-03. Review status: criteria provided, single submitter. Criteria: Invitae Variant Classification Sherloc (09022015). Collection method: clinical testing. Allele origin: germline.
Comment: This sequence change affects a donor splice site in intron 42 of the COL1A1 gene. It is expected to disrupt RNA splicing. Variants that disrupt the donor or acceptor splice site typically lead to a loss of protein function (PMID: 16199547), and loss-of-function variants in COL1A1 are known to be pathogenic (PMID: 7942841, 9295084, 9443882). This variant is not present in population databases (gnomAD no frequency). Disruption of this splice site has been observed in individuals with clinical features of osteogenesis imperfecta (PMID: 25963598; Invitae). ClinVar contains an entry for this variant (Variation ID: 503737). Algorithms developed to predict the effect of sequence changes on RNA splicing suggest that this variant may disrupt the consensus splice site. For these reasons, this variant has been classified as Pathogenic.

Genetics Department, Polish Mother's Memorial Hospital Research Institute
Classification: Pathogenic for Osteogenesis imperfecta. Last evaluated: 2020-04-06. Review status: criteria provided, single submitter. Criteria: ACMG Guidelines, 2015. Collection method: research. Allele origin: paternal. Affected: yes. Observed: 2 variant alleles.

GeneDx
Classification: Likely pathogenic. Last evaluated: 2018-02-15. Review status: criteria provided, single submitter. Criteria: GeneDx Variant Classification (06012015). Collection method: clinical testing. Allele origin: germline. Affected: yes.
Comment: The c.3099+1 G>A variant has been reported in a patient presenting with blue sclerae, one fracture, and a positive family history of osteogenesis imperfecta (Schleit et al., 2015). The c.3099+1 G>A variant is not observed in large population cohorts (Lek et al., 2016). Several in silico splice prediction models predict that c.3099+1 G>A destroys the canonical splice donor site for intron 42, leading to abnormal gene splicing potentially resulting in the skipping of the in-frame exon 42. Exon 42 is located in the triple helical domain and variants in this region result in poor winding of the collagen triple helix and a less functional protein. In summary, this variant is likely pathogenic; however, the possibility that it is benign cannot be excluded.

Literature cited by the submitters: PubMed 16199547 (cited by Labcorp Genetics (formerly Invitae), Labcorp); PubMed 7942841 (cited by Labcorp Genetics (formerly Invitae), Labcorp); PubMed 9295084 (cited by Labcorp Genetics (formerly Invitae), Labcorp); PubMed 9443882 (cited by Labcorp Genetics (formerly Invitae), Labcorp); PubMed 25963598 (cited by Labcorp Genetics (formerly Invitae), Labcorp).